The following is an entry in ClinVar:

NM_001267550.2(TTN):c.79447dup (p.Asp26483fs)

Genes: TTN (titin; minus strand), TTN-AS1 (TTN antisense RNA 1; plus strand). Cytogenetic location: 2q31.2.
Variant type: Duplication.
Coding change: c.79447dup on transcript NM_001267550.2 (MANE Select); coding-DNA position 79447, one base duplicated (G; older notation c.79447dupG).
Protein change: p.Asp26483fs; shifts the reading frame from aspartic acid 26483.
Molecular consequence: frameshift variant.
Genome position (GRCh38, 1-based): chr2:178,566,685, C duplicated on the plus strand (G on the coding strand, the reverse complement: TTN is on the minus strand). VCF-style (leftmost placement, unchanged base first): chr2-178566684-T-TC. GRCh37 (hg19) VCF-style: chr2-179431411-T-TC.
Other names: p.Asp24842Glyfs*19; c.74524dup, p.Asp24842fs (NM_001256850.1); c.52252dup, p.Asp17418fs (NM_003319.4); c.71743dup, p.Asp23915fs (NM_133378.4); c.52627dup, p.Asp17543fs (NM_133432.3); c.52828dup, p.Asp17610fs (NM_133437.4); c.52252dupG (NM_003319.4); short protein forms D17543fs, D26483fs, D17610fs, D23915fs, D24842fs, D17418fs.
Identifiers: ClinVar variation 264625 (VCV000264625.6), dbSNP rs886039211, ClinGen allele CA10587472.
Genomic context (GRCh38, chr2:178,566,684, plus strand): 5'-GAATTTTTAGTGGTGTCTACAATGTGTGCATTGGTAGGTGGGCCAGGTTTGAACACAGGA[T>TC]CACAGGCTTTATAATAAACTGTAGCTGGACTTGGTTCCCCAACTCCAGCAGCATTTTCTG-3'

ClinVar aggregate classification (germline): Likely pathogenic. Review status: criteria provided, multiple submitters, no conflicts (2 of 4 stars). 2 submissions from 2 submitters: Likely pathogenic (2). Last evaluated 2025-02-03.

Conditions:
Cardiovascular phenotype. Identifiers: MedGen CN230736.

Submissions (2):

Mayo Clinic Laboratories, Mayo Clinic
Classification: Likely pathogenic. Last evaluated: 2025-02-03. Review status: criteria provided, single submitter. Criteria: ACMG Guidelines, 2015. Collection method: clinical testing. Allele origin: germline. Observed: 1 variant allele.
Comment: PM2_supporting, PVS1

Ambry Genetics
Classification: Likely pathogenic for Cardiovascular phenotype. Last evaluated: 2022-10-26. Review status: criteria provided, single submitter. Criteria: Ambry Variant Classification Scheme 2023. Collection method: clinical testing. Allele origin: germline.
Comment: The c.52252dupG variant, located in coding exon 153 of the TTN gene, results from a duplication of G at nucleotide position 52252, causing a translational frameshift with a predicted alternate stop codon (p.D17418Gfs*19). This exon is located in the A-band region of the N2-B isoform of the titin protein and is constitutively expressed in TTN transcripts (percent spliced in or PSI 100%). This variant is considered to be rare based on population cohorts in the Genome Aggregation Database (gnomAD). This alteration is expected to result in loss of function by premature protein truncation or nonsense-mediated mRNA decay. While truncating variants in TTN are present in 1-3% of the general population, truncating variants in the A-band are the most common cause of dilated cardiomyopathy (DCM) (Herman DS et al. N. Engl. J. Med., 2012 Feb;366:619-28; Roberts AM et al. Sci Transl Med, 2015 Jan;7:270ra6). TTN truncating variants encoded in constitutive exons (PSI >90%) have been found to be significantly associated with DCM regardless of their position in titin (Schafer S et al. Nat. Genet., 2017 01;49:46-53). Based on the majority of available evidence to date, this variant is likely to be pathogenic.